The following is an entry in ClinVar:

ClinVar aggregate classification (germline): Likely benign (1 of 4 stars; one submission).

gnomAD v4.1: 499 of 398,594 alleles (0.13%); highest among the groups gnomAD compares: African/African-American, 0.93%; 4 homozygotes.

Submission:

CeGaT Center for Human Genetics Tuebingen
Classification: Likely benign. Last evaluated: 2026-09-01. Review status: criteria provided, single submitter. Criteria: CeGaT Center For Human Genetics Tuebingen Variant Classification Criteria Version 2. Collection method: clinical testing. Allele origin: germline. Affected: yes. Observed: 4 variant alleles.
Comment: KCNQ1OT1: BS2

NM_000218.3(KCNQ1):c.1394-1323T>C

Genes: KCNQ1 (potassium voltage-gated channel subfamily Q member 1; plus strand), KCNQ1OT1 (KCNQ1 opposite strand/antisense transcript 1; minus strand). Cytogenetic location: 11p15.5.
Variant type: single nucleotide variant.
Coding change: c.1394-1323T>C on transcript NM_000218.3 (MANE Select); 1323 bases into the intron before coding-DNA position 1394, T replaced by C.
Molecular consequence: intron variant. On other transcripts: non-coding transcript variant (1).
Genome position (GRCh38, 1-based): chr11:2,660,638, T>C. VCF-style: chr11-2660638-T-C. GRCh37 (hg19) VCF-style: chr11-2681868-T-C.
Other names: c.1124-1323T>C (NM_001406837.1); c.1298-1323T>C (NM_001406836.1); c.854-1323T>C (NM_001406838.1); c.1013-1323T>C (NM_181798.2).
Identifiers: ClinVar variation 5039571 (VCV005039571.1).